The following is an entry in ClinVar:

ClinVar aggregate classification (germline): Uncertain significance (1 of 4 stars; one submission).

gnomAD v4.1: 1 of 1,613,440 alleles (0.000062%); highest among the groups gnomAD compares: African/African-American, 0.0013%; no homozygotes.

Submission:

Ambry Genetics
Classification: Uncertain significance. Last evaluated: 2025-01-17. Review status: criteria provided, single submitter. Criteria: Ambry Variant Classification Scheme 2023. Collection method: clinical testing. Allele origin: germline.
Comment: The p.R2049K variant (also known as c.6146G>A), located in coding exon 25 of the WNK2 gene, results from a G to A substitution at nucleotide position 6146. The arginine at codon 2049 is replaced by lysine, an amino acid with highly similar properties. This amino acid position is conserved. In addition, the in silico prediction for this alteration is inconclusive. Based on the available evidence, the clinical significance of this variant remains unclear.

NM_006648.4(WNK2):c.6146G>A (p.Arg2049Lys)

Gene: WNK2 (WNK lysine deficient protein kinase 2; plus strand). Cytogenetic location: 9q22.31.
Variant type: single nucleotide variant.
Coding change: c.6146G>A on transcript NM_006648.4 (MANE Select); coding-DNA position 6146, G replaced by A.
Protein change: p.Arg2049Lys; replaces arginine 2049 with lysine.
Molecular consequence: missense variant.
Genome position (GRCh38, 1-based): chr9:93,300,081, G>A. VCF-style: chr9-93300081-G-A. GRCh37 (hg19) VCF-style: chr9-96062363-G-A.
Other names: c.6257G>A, p.Arg2086Lys (NM_001282394.3); short protein forms R2049K, R2086K.
Identifiers: ClinVar variation 3816862 (VCV003816862.1).